The following is an entry in ClinVar:

NM_002474.3(MYH11):c.4747C>T (p.Arg1583Trp)

Genes: MYH11 (myosin heavy chain 11; minus strand), NDE1 (nudE neurodevelopment protein 1; plus strand). Cytogenetic location: 16p13.11.
Variant type: single nucleotide variant.
Coding change: c.4747C>T on transcript NM_002474.3 (MANE Select); coding-DNA position 4747, C replaced by T.
Protein change: p.Arg1583Trp; replaces arginine 1583 with tryptophan.
Molecular consequence: missense variant. On other transcripts: intron variant (2).
Genome position (GRCh38, 1-based): chr16:15,720,883, G>A on the plus strand (C>T on the coding strand, the complement: MYH11 is on the minus strand). VCF-style: chr16-15720883-G-A. GRCh37 (hg19) VCF-style: chr16-15814740-G-A.
Other names: c.4768C>T, p.Arg1590Trp (NM_001040113.2, NM_001040114.2); c.4747C>T, p.Arg1583Trp (NM_022844.3); c.948-3308G>A (NM_001143979.2, NM_017668.3); short protein forms R1583W, R1590W.
Identifiers: ClinVar variation 519925 (VCV000519925.29), dbSNP rs777170587, ClinGen allele CA7921577.

ClinVar aggregate classification (germline): Uncertain significance. Review status: criteria provided, multiple submitters, no conflicts (2 of 4 stars). 8 submissions from 8 submitters: Uncertain significance (8). Last evaluated 2025-10-18.

Conditions:
Familial thoracic aortic aneurysm and aortic dissection (TAAD). Also called: Thoracic aortic aneurysms and dissections. Identifiers: Orphanet 91387, MedGen C4707243, MONDO:0019625.
Aortic aneurysm, familial thoracic 4 (AAT4). Also called: AORTIC ANEURYSM/AORTIC DISSECTION AND PATENT DUCTUS ARTERIOSUS. Identifiers: MedGen C1851504, MONDO:0007568, OMIM 132900.

Allele frequency attached by ClinVar (database versions not stated): ExAC 0.00002; TOPMed 0.00002; gnomAD 0.00003 and 0.00004; gnomAD exomes 0.00004.
gnomAD v4.1: 67 of 1,613,792 alleles (0.0042%); highest among the groups gnomAD compares: Admixed American, 0.015%; no homozygotes.

Submissions (8):

Labcorp Genetics (formerly Invitae), Labcorp
Classification: Uncertain significance for Aortic aneurysm, familial thoracic 4. Last evaluated: 2025-10-18. Review status: criteria provided, single submitter. Criteria: Invitae Variant Classification Sherloc (09022015). Collection method: clinical testing. Allele origin: germline.
Comment: This sequence change replaces arginine, which is basic and polar, with tryptophan, which is neutral and slightly polar, at codon 1590 of the MYH11 protein (p.Arg1590Trp). This variant is present in population databases (rs777170587, gnomAD 0.009%). This missense change has been observed in individuals with clinical features of MYH11-related conditions (PMID: 29543232, 39642868). This variant is also known as c.4747C>T (p.Arg1583Trp). ClinVar contains an entry for this variant (Variation ID: 519925). Invitae Evidence Modeling of protein sequence and biophysical properties (such as structural, functional, and spatial information, amino acid conservation, physicochemical variation, residue mobility, and thermodynamic stability) indicates that this missense variant is not expected to disrupt MYH11 protein function with a negative predictive value of 80%. This variant disrupts the p.Arg1590 amino acid residue in MYH11. Other variant(s) that disrupt this residue have been observed in individuals with MYH11-related conditions (PMID: 23099432, 29543232), which suggests that this may be a clinically significant amino acid residue. In summary, the available evidence is currently insufficient to determine the role of this variant in disease. Therefore, it has been classified as a Variant of Uncertain Significance.

ARUP Laboratories, Molecular Genetics and Genomics, ARUP Laboratories
Classification: Uncertain significance. Last evaluated: 2024-10-07. Review status: criteria provided, single submitter. Criteria: ARUP Molecular Germline Variant Investigation Process 2024. Collection method: clinical testing. Allele origin: germline.
Comment: The MYH11 c.4747C>T; p.Arg1583Trp variant (rs777170587, ClinVar Variation ID: 519925) is reported in the literature in an individual affected with thoracic aortic aneurysm (Weerakkody 2018). This variant is found in the general population with an overall allele frequency of 0.004% (9/251,414 alleles) in the Genome Aggregation Database (v2.1.1). Computational analyses predict that this variant is deleterious (REVEL: 0.746). Due to limited information, the clinical significance of this variant is uncertain at this time. References: Weerakkody R et al. Targeted genetic analysis in a large cohort of familial and sporadic cases of aneurysm or dissection of the thoracic aorta. Genet Med. 2018 Nov;20(11):1414-1422. PMID: 29543232.

Ambry Genetics
Classification: Uncertain significance for Familial thoracic aortic aneurysm and aortic dissection. Last evaluated: 2024-10-07. Review status: criteria provided, single submitter. Criteria: Ambry Variant Classification Scheme 2023. Collection method: clinical testing. Allele origin: germline.
Comment: The p.R1583W variant (also known as c.4747C>T), located in coding exon 32 of the MYH11 gene, results from a C to T substitution at nucleotide position 4747. The arginine at codon 1583 is replaced by tryptophan, an amino acid with dissimilar properties, and is located in the coiled coil domain. An alternate amino acid substitution at this position, p.R1583Q was reported (as p.R1590Q) in two family members with thoracic aortic aneurysms (Bee KJ et al. Circ Cardiovasc Genet, 2012 Dec;5:621-9). This amino acid position is well conserved in available vertebrate species. In addition, the in silico prediction for this alteration is inconclusive. Since supporting evidence is limited at this time, the clinical significance of this alteration remains unclear.

GeneDx
Classification: Uncertain significance. Last evaluated: 2024-07-24. Review status: criteria provided, single submitter. Criteria: GeneDx Variant Classification Process June 2021. Collection method: clinical testing. Allele origin: germline. Affected: yes.
Comment: Identified in patients with TAAD referred for genetic testing at GeneDx and in the published literature (PMID: 29543232); In silico analysis supports that this missense variant has a deleterious effect on protein structure/function; This variant is associated with the following publications: (PMID: 30202019, 29543232)

Color Diagnostics, LLC DBA Color Health
Classification: Uncertain significance for Familial thoracic aortic aneurysm and aortic dissection. Last evaluated: 2024-02-05. Review status: criteria provided, single submitter. Criteria: ACMG Guidelines, 2015. Collection method: clinical testing. Allele origin: germline.
Comment: This missense variant replaces arginine with tryptophan at codon 1590 of the MYH11 protein. Computational prediction suggests that this variant may have deleterious impact on protein structure and function (internally defined REVEL score threshold >= 0.7, PMID: 27666373). To our knowledge, functional studies have not been reported for this variant. This variant has not been reported in individuals affected with cardiovascular disorders in the literature. This variant has been identified in 9/251414 chromosomes in the general population by the Genome Aggregation Database (gnomAD). The available evidence is insufficient to determine the role of this variant in disease conclusively. Therefore, this variant is classified as a Variant of Uncertain Significance.

CHEO Genetics Diagnostic Laboratory, Children's Hospital of Eastern Ontario
Classification: Uncertain significance for Familial thoracic aortic aneurysm and aortic dissection. Last evaluated: 2023-01-30. Review status: criteria provided, single submitter. Criteria: ACMG Guidelines, 2015. Collection method: clinical testing. Allele origin: germline.

Mayo Clinic Laboratories, Mayo Clinic
Classification: Uncertain significance. Last evaluated: 2020-09-25. Review status: criteria provided, single submitter. Criteria: ACMG Guidelines, 2015. Collection method: clinical testing. Allele origin: germline. Observed: 1 variant allele.

Fulgent Genetics
Classification: Uncertain significance for Aortic aneurysm, familial thoracic 4. Last evaluated: 2018-10-31. Review status: criteria provided, single submitter. Criteria: ACMG Guidelines, 2015. Collection method: clinical testing. Allele origin: unknown.

Literature cited by the submitters: PubMed 29543232 (cited by Labcorp Genetics (formerly Invitae), Labcorp); PubMed 39642868 (cited by Labcorp Genetics (formerly Invitae), Labcorp); PubMed 23099432 (cited by Labcorp Genetics (formerly Invitae), Labcorp and Ambry Genetics).